The following is an entry in ClinVar:

ClinVar aggregate classification (germline): Uncertain significance (1 of 4 stars; one submission).

gnomAD v4.1: 2 of 1,612,098 alleles (0.00012%); highest among the groups gnomAD compares: Admixed American, 0.0033%; no homozygotes.

Submission:

GeneDx
Classification: Uncertain significance. Last evaluated: 2024-12-21. Review status: criteria provided, single submitter. Criteria: GeneDx Variant Classification Process June 2021. Collection method: clinical testing. Allele origin: germline. Affected: yes.
Comment: Has not been previously published as pathogenic or benign to our knowledge; In silico analysis indicates that this missense variant does not alter protein structure/function

NM_006846.4(SPINK5):c.924A>G (p.Ile308Met)

Gene: SPINK5 (serine peptidase inhibitor Kazal type 5; plus strand). Cytogenetic location: 5q32.
Variant type: single nucleotide variant.
Coding change: c.924A>G on transcript NM_006846.4 (MANE Select); coding-DNA position 924, A replaced by G.
Protein change: p.Ile308Met; replaces isoleucine 308 with methionine.
Molecular consequence: missense variant.
Genome position (GRCh38, 1-based): chr5:148,097,908, A>G. VCF-style: chr5-148097908-A-G. GRCh37 (hg19) VCF-style: chr5-147477471-A-G.
Other names: c.924A>G, p.Ile308Met (NM_001127698.2, NM_001127699.2); short protein forms I308M.
Identifiers: ClinVar variation 3906409 (VCV003906409.1).